The following is an entry in ClinVar:

ClinVar aggregate classification (germline): Uncertain significance. Review status: criteria provided, multiple submitters, no conflicts (2 of 4 stars). 2 submissions from 2 submitters: Uncertain significance (2). Last evaluated 2024-04-29.

Allele frequency attached by ClinVar (database versions not stated): ExAC 0.00001; gnomAD 0.00001; gnomAD exomes 0.00001; TOPMed 0.00004; 1000 Genomes Project 30x 0.00016.

Submissions (2):

Blueprint Genetics
Classification: Uncertain significance. Last evaluated: 2024-04-29. Review status: criteria provided, single submitter. Criteria: ACMG Guidelines, 2015. Collection method: clinical testing. Allele origin: germline.

Labcorp Genetics (formerly Invitae), Labcorp
Classification: Uncertain significance. Last evaluated: 2022-01-13. Review status: criteria provided, single submitter. Criteria: Invitae Variant Classification Sherloc (09022015). Collection method: clinical testing. Allele origin: germline.
Comment: In summary, the available evidence is currently insufficient to determine the role of this variant in disease. Therefore, it has been classified as a Variant of Uncertain Significance. Algorithms developed to predict the effect of missense changes on protein structure and function (SIFT, PolyPhen-2, Align-GVGD) all suggest that this variant is likely to be tolerated. This variant has not been reported in the literature in individuals affected with GPAA1-related conditions. This variant is present in population databases (rs782793294, gnomAD 0.003%). This sequence change replaces alanine, which is neutral and non-polar, with valine, which is neutral and non-polar, at codon 74 of the GPAA1 protein (p.Ala74Val).

NM_003801.4(GPAA1):c.221C>T (p.Ala74Val)

Gene: GPAA1 (glycosylphosphatidylinositol anchor attachment 1; plus strand). Cytogenetic location: 8q24.3.
Variant type: single nucleotide variant.
Coding change: c.221C>T on transcript NM_003801.4 (MANE Select); coding-DNA position 221, C replaced by T.
Protein change: p.Ala74Val; replaces alanine 74 with valine.
Molecular consequence: missense variant.
Genome position (GRCh38, 1-based): chr8:144,083,270, C>T. VCF-style: chr8-144083270-C-T. GRCh37 (hg19) VCF-style: chr8-145138173-C-T.
Other names: short protein forms A74V.
Identifiers: ClinVar variation 1505422 (VCV001505422.7), dbSNP rs782793294, ClinGen allele CA4932736.